The following is an entry in ClinVar:

ClinVar aggregate classification (germline): Pathogenic (1 of 4 stars; one submission).

Conditions:
Osteogenesis imperfecta with normal sclerae, dominant form (OI4). Also called: Common Variable Osteogenesis Imperfecta with Normal Sclerae; OSTEOGENESIS IMPERFECTA, TYPE IV, WITH DENTINOGENESIS IMPERFECTA; Osteogenesis Imperfecta Type IV; OSTEOGENESIS IMPERFECTA WITH NORMAL SCLERAE; Osteogenesis imperfecta type 4. Identifiers: Orphanet 216820, Orphanet 666, MedGen C0268363, MONDO:0008148, OMIM 166220.

Submission:

Clinical Biomedical Laboratory, Shriners Hospital For Children - Canada
Classification: Pathogenic for Osteogenesis imperfecta with normal sclerae, dominant form. Last evaluated: 2025-07-16. Review status: criteria provided, single submitter. Criteria: ACMG Guidelines, 2015. Collection method: clinical testing. Allele origin: germline. Affected: yes.
Comment: This variant is predicted to substitute a glycine residue by a cysteine residue in the alpha 2 chain of collagen type 1. This variant is absent from Genome Aggregation Database (v2.1.1). Glycine substitutions in the triple helical domain of collagen type I cause disruption in the formation of the triple helix in the collagen molecule and are a typical cause of osteogenesis imperfecta (PMID: 27509835), which is the clinical diagnosis of the proband.

Literature cited by the submitters: PubMed 27509835.

NM_000089.4(COL1A2):c.1441G>T (p.Gly481Cys)

Gene: COL1A2 (collagen type I alpha 2 chain; plus strand). Cytogenetic location: 7q21.3.
Variant type: single nucleotide variant.
Coding change: c.1441G>T on transcript NM_000089.4 (MANE Select); coding-DNA position 1441, G replaced by T.
Protein change: p.Gly481Cys; replaces glycine 481 with cysteine.
Molecular consequence: missense variant.
Genome position (GRCh38, 1-based): chr7:94,412,620, G>T. VCF-style: chr7-94412620-G-T. GRCh37 (hg19) VCF-style: chr7-94041932-G-T.
Other names: short protein forms G481C.
Identifiers: ClinVar variation 4075340 (VCV004075340.1).
Genomic context (GRCh38, chr7:94,412,620, plus strand): 5'-AACTTGAAATAACTCTGCTTTCAGGGCCTCCCTGGCATCGACGGCAGGCCTGGCCCAATT[G>T]GCCCAGCTGGAGCAAGAGGAGAGCCTGGCAACATTGGATTCCCTGGACCCAAAGGCCCCA-3'
Protein context (NP_000080.2, residues 471-491): PGIDGRPGPI[Gly481Cys]PAGARGEPGN